The following is an entry in ClinVar:

NM_001355613.1(CPHXL):c.1047G>A (p.Ser349=)

Gene: CPHXL (cytoplasmic polyadenylated homeobox like; minus strand). Cytogenetic location: 16q23.1.
Variant type: single nucleotide variant.
Coding change: c.1047G>A on transcript NM_001355613.1 (MANE Select); coding-DNA position 1047, G replaced by A.
Protein change: p.Ser349=; no amino-acid change (serine 349 retained).
Molecular consequence: synonymous variant.
Genome position (GRCh38, 1-based): chr16:75,714,395, C>T on the plus strand (G>A on the coding strand, the complement: CPHXL is on the minus strand). VCF-style: chr16-75714395-C-T. GRCh37 (hg19) VCF-style: chr16-75748293-C-T.
Identifiers: ClinVar variation 4084538 (VCV004084538.8).
Genomic context (GRCh38, chr16:75,714,395, plus strand): 5'-TTGAGAGCACAACGGCTTTCCATTATTCTGAGGCAGTTGACTCTGCAGCTGTGACTGAGC[C>T]GAGGACCACTGCTTCCCTAGATCCCAAGGACCCGAGTCCATTGGGAGCTGTTCCTGCAAC-3'
Protein context (NP_001342542.1, residues 339-359): GPWDLGKQWS[Ser349=]AQSQLQSQLP

ClinVar aggregate classification (germline): Likely benign (1 of 4 stars; one submission).

gnomAD v4.1: 37 of 398,462 alleles (0.0093%); highest among the groups gnomAD compares: Non-Finnish European, 0.014%; no homozygotes.

Submission:

CeGaT Center for Human Genetics Tuebingen
Classification: Likely benign. Last evaluated: 2025-07-01. Review status: criteria provided, single submitter. Criteria: CeGaT Center For Human Genetics Tuebingen Variant Classification Criteria Version 2. Collection method: clinical testing. Allele origin: germline. Affected: yes. Observed: 1 variant allele.
Comment: CPHXL: BP4, BP7